The following is an entry in ClinVar:

ClinVar aggregate classification (germline): Uncertain significance (1 of 4 stars; one submission).

Conditions:
LONP1-related disorder. Also called: LONP1-related disorders; LONP1-related condition.

gnomAD v4.1: 17 of 1,613,096 alleles (0.0011%); highest among the groups gnomAD compares: Non-Finnish European, 0.0014%; no homozygotes.

Submission:

PreventionGenetics, part of Exact Sciences
Classification: Uncertain significance for LONP1-related condition. Last evaluated: 2025-02-18. Review status: criteria provided, single submitter. Criteria: ACMG Guidelines, 2015. Collection method: clinical testing. Allele origin: germline.
Comment: The LONP1 c.1001T>C variant is predicted to result in the amino acid substitution p.Met334Thr. To our knowledge, this variant has not been reported in the literature. This variant is reported in 0.00088% of alleles in individuals of European (Non-Finnish) descent in gnomAD. At this time, the clinical significance of this variant is uncertain due to the absence of conclusive functional and genetic evidence.

NM_004793.4(LONP1):c.1001T>C (p.Met334Thr)

Gene: LONP1 (lon peptidase 1, mitochondrial; minus strand). Cytogenetic location: 19p13.3.
Variant type: single nucleotide variant.
Coding change: c.1001T>C on transcript NM_004793.4 (MANE Select); coding-DNA position 1001, T replaced by C.
Protein change: p.Met334Thr; replaces methionine 334 with threonine.
Molecular consequence: missense variant. On other transcripts: non-coding transcript variant (1).
Genome position (GRCh38, 1-based): chr19:5,707,758, A>G on the plus strand (T>C on the coding strand, the complement: LONP1 is on the minus strand). VCF-style: chr19-5707758-A-G. GRCh37 (hg19) VCF-style: chr19-5707769-A-G.
Other names: c.809T>C, p.Met270Thr (NM_001276479.2); c.413T>C, p.Met138Thr (NM_001276480.1); short protein forms M270T, M334T, M138T.
Identifiers: ClinVar variation 4997473 (VCV004997473.1).
Genomic context (GRCh38, chr19:5,707,758, plus strand): 5'-TTGGTCTCTTCCAGGACGTCCTGCAGCTCATGGGACTCGGCCCCGGTGAGCGCGGCGCCC[A>G]TGTCGCTCAGGTAGATGGGGTTGTCCACCACCCGCTGGCCAGCCTGCATCATCTGCAGCA-3'
Protein context (NP_004784.2, residues 324-344): VVDNPIYLSD[Met334Thr]GAALTGAESH